The following is an entry in ClinVar:

ClinVar aggregate classification (germline): Uncertain significance. Review status: criteria provided, single submitter (1 of 4 stars). 2 submissions from 2 submitters: Uncertain significance (1). 1 of the submissions does not count toward it. Last evaluated 2025-08-04.

Conditions:
Familial Mediterranean fever (FMF). Also called: POLYSEROSITIS, FAMILIAL PAROXYSMAL; POLYSEROSITIS, RECURRENT; Periodic peritonitis; Benign paroxysmal peritonitis. Identifiers: Orphanet 342, MedGen C0031069, MONDO:0018088, OMIM 249100. Disease mechanism: gain of function.

Allele frequency attached by ClinVar (database versions not stated): gnomAD 0.00003 and 0.00002; gnomAD exomes 0.00001 and below 0.00001; TOPMed 0.00002.
gnomAD v4.1: 14 of 1,614,224 alleles (0.00087%); highest among the groups gnomAD compares: African/African-American, 0.0053%; no homozygotes.

Submissions (2):

Labcorp Genetics (formerly Invitae), Labcorp
Classification: Uncertain significance for Familial Mediterranean fever. Last evaluated: 2025-08-04. Review status: criteria provided, single submitter. Criteria: Invitae Variant Classification Sherloc (09022015). Collection method: clinical testing. Allele origin: germline.
Comment: This sequence change replaces arginine, which is basic and polar, with cysteine, which is neutral and slightly polar, at codon 377 of the MEFV protein (p.Arg377Cys). This variant is present in population databases (no rsID available, gnomAD 0.008%). This variant has not been reported in the literature in individuals affected with MEFV-related conditions. ClinVar contains an entry for this variant (Variation ID: 527804). An algorithm developed to predict the effect of missense changes on protein structure and function (PolyPhen-2) suggests that this variant is likely to be tolerated. In summary, the available evidence is currently insufficient to determine the role of this variant in disease. Therefore, it has been classified as a Variant of Uncertain Significance.

Natera, Inc.
Classification: Uncertain significance for Familial Mediterranean fever. Last evaluated: 2020-03-17. Review status: no assertion criteria provided. Collection method: clinical testing. Allele origin: germline. Not counted in ClinVar's aggregate classification.

NM_000243.3(MEFV):c.1129C>T (p.Arg377Cys)

Gene: MEFV (MEFV innate immunity regulator, pyrin; minus strand). Cytogenetic location: 16p13.3.
Variant type: single nucleotide variant.
Coding change: c.1129C>T on transcript NM_000243.3 (MANE Select); coding-DNA position 1129, C replaced by T.
Protein change: p.Arg377Cys; replaces arginine 377 with cysteine.
Molecular consequence: missense variant.
Genome position (GRCh38, 1-based): chr16:3,249,562, G>A on the plus strand (C>T on the coding strand, the complement: MEFV is on the minus strand). VCF-style: chr16-3249562-G-A. GRCh37 (hg19) VCF-style: chr16-3299562-G-A.
Other names: c.496C>T, p.Arg166Cys (NM_001198536.2); short protein forms R377C, R166C.
Identifiers: ClinVar variation 527804 (VCV000527804.11), dbSNP rs896909303, ClinGen allele CA276898837.
Genomic context (GRCh38, chr16:3,249,562, plus strand): 5'-TGAGGCAGATGGGCTCATCGTGATCCTCACAGAAGAGCAGCTGGACCTGCTTCAGGTGGC[G>A]CTTACACTGTGGCAGGGGCTGGGGGCTTAGGCTTCCCGGGCTCTTCCTTTCATGGGAGTC-3'
Protein context (NP_000234.1, residues 367-387): LSPQPLPQCK[Arg377Cys]HLKQVQLLFC